The following is an entry in ClinVar:

ClinVar aggregate classification (germline): Conflicting classifications of pathogenicity. Review status: criteria provided, conflicting classifications (1 of 4 stars). 2 submissions from 2 submitters: Uncertain significance (1); Likely benign (1). Last evaluated 2025-06-09.

Conditions:
Microcephaly, normal intelligence and immunodeficiency (NBS). Also called: BERLIN BREAKAGE SYNDROME; Ataxia telangiectasia variant V1; IMMUNODEFICIENCY, MICROCEPHALY, AND CHROMOSOMAL INSTABILITY; SEEMANOVA SYNDROME II; Immunodeficiency, microcephaly with normal intelligence; Nijmegen breakage syndrome. Identifiers: Orphanet 647, MedGen C0398791, MONDO:0009623, OMIM 251260.
Hereditary cancer-predisposing syndrome. Also called: Tumor predisposition; Neoplastic Syndromes, Hereditary; Hereditary Cancer Syndrome; Hereditary neoplastic syndrome. Identifiers: Orphanet 140162, MedGen C0027672, MeSH D009386, MONDO:0015356.

Allele frequency attached by ClinVar (database versions not stated): gnomAD exomes below 0.00001; TOPMed below 0.00001; gnomAD 0.00001.
gnomAD v4.1: 2 of 1,610,658 alleles (0.00012%); highest among the groups gnomAD compares: Admixed American, 0.0017%; no homozygotes.

Submissions (2):

Labcorp Genetics (formerly Invitae), Labcorp
Classification: Likely benign for Microcephaly, normal intelligence and immunodeficiency. Last evaluated: 2025-06-09. Review status: criteria provided, single submitter. Criteria: Invitae Variant Classification Sherloc (09022015). Collection method: clinical testing. Allele origin: germline.

Ambry Genetics
Classification: Uncertain significance for Hereditary cancer-predisposing syndrome. Last evaluated: 2022-08-02. Review status: criteria provided, single submitter. Criteria: Ambry Variant Classification Scheme 2023. Collection method: clinical testing. Allele origin: germline.
Comment: The c.474C>T variant (also known as p.T158T), located in coding exon 4 of the NBN gene, results from a C to T substitution at nucleotide position 474. This nucleotide substitution does not change the threonine at codon 158. This nucleotide position is not well conserved in available vertebrate species. In silico splice site analysis for this alteration is inconclusive. Since supporting evidence is limited at this time, the clinical significance of this alteration remains unclear.

NM_002485.5(NBN):c.474C>T (p.Thr158=)

Gene: NBN (nibrin; minus strand). Cytogenetic location: 8q21.3.
Variant type: single nucleotide variant.
Coding change: c.474C>T on transcript NM_002485.5 (MANE Select); coding-DNA position 474, C replaced by T.
Protein change: p.Thr158=; no amino-acid change (threonine 158 retained).
Molecular consequence: synonymous variant.
Genome position (GRCh38, 1-based): chr8:89,980,740, G>A on the plus strand (C>T on the coding strand, the complement: NBN is on the minus strand). VCF-style: chr8-89980740-G-A. GRCh37 (hg19) VCF-style: chr8-90992968-G-A.
Other names: c.228C>T, p.Thr76= (NM_001024688.3).
Identifiers: ClinVar variation 630022 (VCV000630022.13), dbSNP rs1563578527, ClinGen allele CA461831333.
Genomic context (GRCh38, chr8:89,980,740, plus strand): 5'-AAGCTTAAATTCAAATAACTTATTTTTAACATAAGAACAAGACATTCAACCTACTTTAAT[G>A]GTAACTTTCACTGATACCATGACAAGGTGAGTGCATTCTTCTGTCCAATTGTTTACAGTA-3'
Protein context (NP_002476.2, residues 148-168): THLVMVSVKV[Thr158=]IKTICALICG